The following is an entry in ClinVar:

ClinVar aggregate classification (germline): Conflicting classifications of pathogenicity. Review status: criteria provided, conflicting classifications (1 of 4 stars). 3 submissions from 3 submitters: Uncertain significance (2); Likely benign (1). Last evaluated 2026-07-02.

Conditions:
Cardiovascular phenotype. Identifiers: MedGen CN230736.
Hypercholesterolemia, autosomal dominant, type B (FHCL2). Also called: Familial Hypercholesterolemia Type B; APOLIPOPROTEIN B-100, FAMILIAL DEFECTIVE; APOLIPOPROTEIN B-100, FAMILIAL LIGAND-DEFECTIVE; HYPERCHOLESTEROLEMIA, FAMILIAL, DUE TO LIGAND-DEFECTIVE APOLIPOPROTEIN B; Hyperlipoproteinemia Type IIb; Familial hypercholesterolemia 2. Identifiers: MedGen C1704417, MONDO:0007751, OMIM 144010.
Familial hypobetalipoproteinemia 1. Also called: APOB-Related Familial Hypobetalipoproteinemia; Hypobetalipoproteinemia, normotriglyceridemic; Acanthocytosis with hypobetalipoproteinemia. Identifiers: MedGen C4551990, MONDO:0014252, OMIM 615558.

gnomAD v4.1: 1 of 1,614,140 alleles (0.000062%); highest among the groups gnomAD compares: Admixed American, 0.0017%; no homozygotes.

Submissions (3):

Ambry Genetics
Classification: Uncertain significance for Cardiovascular phenotype. Last evaluated: 2026-07-02. Review status: criteria provided, single submitter. Criteria: Ambry Variant Classification Scheme 2023. Collection method: clinical testing. Allele origin: germline.
Comment: The p.D2038G variant (also known as c.6113A>G), located in coding exon 26 of the APOB gene, results from an A to G substitution at nucleotide position 6113. The aspartic acid at codon 2038 is replaced by glycine, an amino acid with similar properties. This amino acid position is conserved. In addition, this alteration is predicted to be tolerated by in silico analysis. Based on the available evidence, the clinical significance of this variant remains unclear.

Labcorp Genetics (formerly Invitae), Labcorp
Classification: Likely benign for Familial hypobetalipoproteinemia 1; Hypercholesterolemia, autosomal dominant, type B. Last evaluated: 2025-10-08. Review status: criteria provided, single submitter. Criteria: Invitae Variant Classification Sherloc (09022015). Collection method: clinical testing. Allele origin: germline.

GeneDx
Classification: Uncertain significance. Last evaluated: 2024-12-04. Review status: criteria provided, single submitter. Criteria: GeneDx Variant Classification Process June 2021. Collection method: clinical testing. Allele origin: germline. Affected: yes.
Comment: Not observed at significant frequency in large population cohorts (gnomAD); In silico analysis supports that this missense variant has a deleterious effect on protein structure/function; Has not been previously published as pathogenic or benign to our knowledge

NM_000384.3(APOB):c.6113A>G (p.Asp2038Gly)

Gene: APOB (apolipoprotein B; minus strand). Cytogenetic location: 2p24.1.
Variant type: single nucleotide variant.
Coding change: c.6113A>G on transcript NM_000384.3 (MANE Select); coding-DNA position 6113, A replaced by G.
Protein change: p.Asp2038Gly; replaces aspartic acid 2038 with glycine.
Molecular consequence: missense variant.
Genome position (GRCh38, 1-based): chr2:21,010,755, T>C on the plus strand (A>G on the coding strand, the complement: APOB is on the minus strand). VCF-style: chr2-21010755-T-C. GRCh37 (hg19) VCF-style: chr2-21233627-T-C.
Other names: short protein forms D2038G.
Identifiers: ClinVar variation 3901728 (VCV003901728.3).
Genomic context (GRCh38, chr2:21,010,755, plus strand): 5'-ACAAAAGCAACAATTGTAAATTCTTGGGGCTTCTCAACGGCATCTCTCATCTCTAAAGCA[T>C]CAATGATATTGATGGGCTCACTGAGTAAAAGTGGCACTTTAATTGGGGAGTCTAGTAGAG-3'
Protein context (NP_000375.3, residues 2028-2048): LLLSEPINII[Asp2038Gly]ALEMRDAVEK